The following is an entry in ClinVar:

ClinVar aggregate classification (germline): Uncertain significance. Review status: criteria provided, multiple submitters, no conflicts (2 of 4 stars). 3 submissions from 3 submitters: Uncertain significance (2). 1 of the submissions does not count toward it. Last evaluated 2023-10-16.

Conditions:
MTOR-related disorder. Also called: MTOR-related condition.

Allele frequency attached by ClinVar (database versions not stated): gnomAD exomes below 0.00001; ExAC 0.00001; TOPMed 0.00002.
gnomAD v4.1: 3 of 1,613,918 alleles (0.00019%); highest among the groups gnomAD compares: Non-Finnish European, 0.00017%; no homozygotes.

Submissions (3):

GeneDx
Classification: Uncertain significance. Last evaluated: 2023-10-16. Review status: criteria provided, single submitter. Criteria: GeneDx Variant Classification Process June 2021. Collection method: clinical testing. Allele origin: germline. Affected: yes.
Comment: In silico analysis supports that this missense variant has a deleterious effect on protein structure/function; Has not been previously published as pathogenic or benign to our knowledge

Labcorp Genetics (formerly Invitae), Labcorp
Classification: Uncertain significance. Last evaluated: 2019-02-17. Review status: criteria provided, single submitter. Criteria: Invitae Variant Classification Sherloc (09022015). Collection method: clinical testing. Allele origin: germline.
Comment: This variant is present in population databases (rs780210598, ExAC 0.01%). This sequence change replaces arginine with tryptophan at codon 2170 of the MTOR protein (p.Arg2170Trp). The arginine residue is highly conserved and there is a moderate physicochemical difference between arginine and tryptophan. This variant has not been reported in the literature in individuals with MTOR-related conditions. Algorithms developed to predict the effect of missense changes on protein structure and function are either unavailable or do not agree on the potential impact of this missense change (SIFT: "Deleterious"; PolyPhen-2: "Probably Damaging"; Align-GVGD: "Class C0"). In summary, the available evidence is currently insufficient to determine the role of this variant in disease. Therefore, it has been classified as a Variant of Uncertain Significance.

PreventionGenetics, part of Exact Sciences
Classification: Uncertain significance for MTOR-related condition. Last evaluated: 2024-01-30. Review status: no assertion criteria provided. Collection method: clinical testing. Allele origin: germline. Not counted in ClinVar's aggregate classification.
Comment: The MTOR c.6508C>T variant is predicted to result in the amino acid substitution p.Arg2170Trp. To our knowledge, this variant has not been reported in the literature. This variant is reported in 0.0062% of alleles in individuals of African descent in gnomAD. At this time, the clinical significance of this variant is uncertain due to the absence of conclusive functional and genetic evidence.

NM_004958.4(MTOR):c.6508C>T (p.Arg2170Trp)

Gene: MTOR (mechanistic target of rapamycin kinase; minus strand). Cytogenetic location: 1p36.22.
Variant type: single nucleotide variant.
Coding change: c.6508C>T on transcript NM_004958.4 (MANE Select); coding-DNA position 6508, C replaced by T.
Protein change: p.Arg2170Trp; replaces arginine 2170 with tryptophan.
Molecular consequence: missense variant.
Genome position (GRCh38, 1-based): chr1:11,126,640, G>A on the plus strand (C>T on the coding strand, the complement: MTOR is on the minus strand). VCF-style: chr1-11126640-G-A. GRCh37 (hg19) VCF-style: chr1-11186697-G-A.
Other names: short protein forms R2170W.
Identifiers: ClinVar variation 850255 (VCV000850255.12), dbSNP rs780210598, ClinGen allele CA589085.